The following is an entry in ClinVar:

ClinVar aggregate classification (germline): Uncertain significance (1 of 4 stars; one submission).

gnomAD v4.1: 5 of 1,614,208 alleles (0.00031%); highest among the groups gnomAD compares: Non-Finnish European, 0.00042%; no homozygotes.

Submission:

Ambry Genetics
Classification: Uncertain significance. Last evaluated: 2024-12-08. Review status: criteria provided, single submitter. Criteria: Ambry Variant Classification Scheme 2023. Collection method: clinical testing. Allele origin: germline.
Comment: The p.S1002N variant (also known as c.3005G>A), located in coding exon 1 of the MLH3 gene, results from a G to A substitution at nucleotide position 3005. The serine at codon 1002 is replaced by asparagine, an amino acid with highly similar properties. This amino acid position is conserved. In addition, this alteration is predicted to be tolerated by in silico analysis. Based on the available evidence, the clinical significance of this variant remains unclear.

NM_001040108.2(MLH3):c.3005G>A (p.Ser1002Asn)

Gene: MLH3 (mutL homolog 3; minus strand). Cytogenetic location: 14q24.3.
Variant type: single nucleotide variant.
Coding change: c.3005G>A on transcript NM_001040108.2 (MANE Select); coding-DNA position 3005, G replaced by A.
Protein change: p.Ser1002Asn; replaces serine 1002 with asparagine.
Molecular consequence: missense variant.
Genome position (GRCh38, 1-based): chr14:75,046,651, C>T on the plus strand (G>A on the coding strand, the complement: MLH3 is on the minus strand). VCF-style: chr14-75046651-C-T. GRCh37 (hg19) VCF-style: chr14-75513354-C-T.
Other names: c.3005G>A, p.Ser1002Asn (NM_014381.3); short protein forms S1002N.
Identifiers: ClinVar variation 3396788 (VCV003396788.1).